The following is an entry in ClinVar:

ClinVar aggregate classification (germline): Likely pathogenic (1 of 4 stars; one submission).

Conditions:
Combined immunodeficiency due to LRBA deficiency. Also called: Common variable immunodeficiency 8, with autoimmunity. Identifiers: Orphanet 445018, MedGen C3553512, MONDO:0013863, OMIM 614700.

Submission:

Labcorp Genetics (formerly Invitae), Labcorp
Classification: Likely pathogenic for Combined immunodeficiency due to LRBA deficiency. Last evaluated: 2020-11-19. Review status: criteria provided, single submitter. Criteria: Invitae Variant Classification Sherloc (09022015). Collection method: clinical testing. Allele origin: germline.
Comment: This sequence change affects an acceptor splice site in intron 17 of the LRBA gene. It is expected to disrupt RNA splicing and likely results in an absent or disrupted protein product. This variant is not present in population databases (ExAC no frequency). This variant has not been reported in the literature in individuals with LRBA-related conditions. Algorithms developed to predict the effect of sequence changes on RNA splicing suggest that this variant may disrupt the consensus splice site, but this prediction has not been confirmed by published transcriptional studies. Donor and acceptor splice site variants typically lead to a loss of protein function (PMID: 16199547), and loss-of-function variants in LRBA are known to be pathogenic (PMID: 26206937, 26768763). In summary, the currently available evidence indicates that the variant is pathogenic, but additional data are needed to prove that conclusively. Therefore, this variant has been classified as Likely Pathogenic.

Literature cited by the submitters: PubMed 16199547; PubMed 26206937; PubMed 26768763.

NM_001364905.1(LRBA):c.2166-1G>C

Gene: LRBA (LPS responsive beige-like anchor protein; minus strand). Cytogenetic location: 4q31.3.
Variant type: single nucleotide variant.
Coding change: c.2166-1G>C on transcript NM_001364905.1 (MANE Select); the canonical splice acceptor site of the intron before coding-DNA position 2166, G replaced by C.
Molecular consequence: splice acceptor variant.
Genome position (GRCh38, 1-based): chr4:150,872,756, C>G on the plus strand (G>C on the coding strand, the complement: LRBA is on the minus strand). VCF-style: chr4-150872756-C-G. GRCh37 (hg19) VCF-style: chr4-151793908-C-G.
Other names: c.2166-1G>C (NM_001367550.1, NM_006726.5, NM_001199282.3 and 2 more transcripts).
Identifiers: ClinVar variation 1066609 (VCV001066609.7), dbSNP rs2127009232, ClinGen allele CA358467674.